The following is an entry in ClinVar:

NM_001048174.2(MUTYH):c.904G>A (p.Glu302Lys)

Gene: MUTYH (mutY DNA glycosylase; minus strand). Cytogenetic location: 1p34.1.
Variant type: single nucleotide variant.
Coding change: c.904G>A on transcript NM_001048174.2 (MANE Select); coding-DNA position 904, G replaced by A.
Protein change: p.Glu302Lys; replaces glutamic acid 302 with lysine.
Molecular consequence: missense variant. On other transcripts: non-coding transcript variant (2).
Genome position (GRCh38, 1-based): chr1:45,332,032, C>T on the plus strand (G>A on the coding strand, the complement: MUTYH is on the minus strand). VCF-style: chr1-45332032-C-T. GRCh37 (hg19) VCF-style: chr1-45797704-C-T.
Other names: c.904G>A, p.Glu302Lys (NM_001048171.2, NM_001048173.2, NM_001293195.2); c.907G>A, p.Glu303Lys (NM_001048172.2); c.988G>A, p.Glu330Lys (NM_001128425.2); c.949G>A, p.Glu317Lys (NM_001293190.2); c.937G>A, p.Glu313Lys (NM_001293191.2); c.628G>A, p.Glu210Lys (NM_001293192.2, NM_001293196.2); c.559G>A, p.Glu187Lys (NM_001350650.2, NM_001350651.2); c.979G>A, p.Glu327Lys (NM_012222.3); short protein forms E210K, E303K, E313K, E187K, E327K, E302K, E330K, E317K.
Identifiers: ClinVar variation 823540 (VCV000823540.18), dbSNP rs1570394120, ClinGen allele CA340134035.
Genomic context (GRCh38, chr1:45,332,032, plus strand): 5'-CTTCTGACTGGGCCAGGAAGGGTTGGGGTGGGGGCTAGGTTTGGTGCTCACCACACTCCT[C>T]CACGTCAGGACTGCCCGACAGGCTCCCTGAGGCTAAGAGCTGTTCCTGCTCCACCTGAGA-3'
Protein context (NP_001041639.1, residues 292-312): SGSLSGSPDV[Glu302Lys]ECAPNTGQCH

ClinVar aggregate classification (germline): Uncertain significance. Review status: criteria provided, multiple submitters, no conflicts (2 of 4 stars). 4 submissions from 4 submitters: Uncertain significance (4). Last evaluated 2025-04-03.

Conditions:
Hereditary cancer-predisposing syndrome. Also called: Tumor predisposition; Hereditary Cancer Syndrome; Hereditary neoplastic syndrome; Neoplastic Syndromes, Hereditary. Identifiers: Orphanet 140162, MedGen C0027672, MeSH D009386, MONDO:0015356.
Familial adenomatous polyposis 2. Also called: FAP type 2; MUTYH Polyposis; COLORECTAL ADENOMATOUS POLYPOSIS, AUTOSOMAL RECESSIVE; ADENOMAS, MULTIPLE COLORECTAL, AUTOSOMAL RECESSIVE; MUTYH-associated polyposis; MUTYH-related attenuated familial adenomatous polyposis. Identifiers: Orphanet 220460, Orphanet 247798, MedGen C3272841, MONDO:0012041, OMIM 608456.

Submissions (4):

Labcorp Genetics (formerly Invitae), Labcorp
Classification: Uncertain significance for Familial adenomatous polyposis 2. Last evaluated: 2025-04-03. Review status: criteria provided, single submitter. Criteria: Invitae Variant Classification Sherloc (09022015). Collection method: clinical testing. Allele origin: germline.
Comment: This sequence change replaces glutamic acid, which is acidic and polar, with lysine, which is basic and polar, at codon 330 of the MUTYH protein (p.Glu330Lys). This variant is not present in population databases (gnomAD no frequency). This variant has not been reported in the literature in individuals affected with MUTYH-related conditions. ClinVar contains an entry for this variant (Variation ID: 823540). An algorithm developed to predict the effect of missense changes on protein structure and function (PolyPhen-2) suggests that this variant is likely to be disruptive. In summary, the available evidence is currently insufficient to determine the role of this variant in disease. Therefore, it has been classified as a Variant of Uncertain Significance.

Quest Diagnostics Nichols Institute San Juan Capistrano
Classification: Uncertain significance. Last evaluated: 2025-01-29. Review status: criteria provided, single submitter. Criteria: Quest Diagnostics criteria. Collection method: clinical testing. Allele origin: unknown.
Comment: The MUTYH c.988G>A (p.Glu330Lys) variant has not been reported in individuals with MUTYH-related conditions in the published literature. It also has not been reported in large, multi-ethnic general populations (Genome Aggregation Database). Analysis of this variant using bioinformatics tools for the prediction of the effect of amino acid changes on protein structure and function yielded predictions that this variant is damaging. Based on the available information, we are unable to determine the clinical significance of this variant.

Color Diagnostics, LLC DBA Color Health
Classification: Uncertain significance for Hereditary cancer-predisposing syndrome. Last evaluated: 2020-04-13. Review status: criteria provided, single submitter. Criteria: ACMG Guidelines, 2015. Collection method: clinical testing. Allele origin: germline.
Comment: This missense variant replaces glutamic acid with lysine at codon 330 of the MUTYH protein. This variant is also known as c.946G>A (p.Glu316Arg) based on an alternative transcript (NM_001048171). Computational prediction suggests that this variant may not impact protein structure and function (internally defined REVEL score threshold <= 0.5, PMID: 27666373). Splice site prediction tools suggest that this variant may not impact RNA splicing. To our knowledge, functional studies have not been reported for this variant. This variant has not been reported in individuals affected with hereditary cancer in the literature. This variant has not been identified in the general population by the Genome Aggregation Database (gnomAD). The available evidence is insufficient to determine the role of this variant in disease conclusively. Therefore, this variant is classified as a Variant of Uncertain Significance.

Ambry Genetics
Classification: Uncertain significance for Hereditary cancer-predisposing syndrome. Last evaluated: 2018-05-17. Review status: criteria provided, single submitter. Criteria: Ambry Variant Classification Scheme 2023. Collection method: clinical testing. Allele origin: germline.
Comment: The p.E330K variant (also known as c.988G>A), located in coding exon 11 of the MUTYH gene, results from a G to A substitution at nucleotide position 988. The glutamic acid at codon 330 is replaced by lysine, an amino acid with similar properties. This amino acid position is highly conserved in available vertebrate species. In addition, the in silico prediction for this alteration is inconclusive. Since supporting evidence is limited at this time, the clinical significance of this alteration remains unclear.